The following is an entry in ClinVar:

ClinVar aggregate classification (germline): Uncertain significance. Review status: criteria provided, single submitter (1 of 4 stars). 2 submissions from 2 submitters: Uncertain significance (1). 1 of the submissions does not count toward it. Last evaluated 2021-06-06.

Conditions:
RLBP1-related disorder. Also called: RLBP1-related disorders; RLBP1-related condition. Identifiers: MedGen CN239413.

Allele frequency attached by ClinVar (database versions not stated): gnomAD 0.00001; ExAC 0.00002; gnomAD exomes 0.00003 and 0.00006; TOPMed 0.00003; ESP Exome Variant Server 0.00008.
gnomAD v4.1: 93 of 1,614,036 alleles (0.0058%); highest among the groups gnomAD compares: Non-Finnish European, 0.0069%; no homozygotes.

Submissions (2):

Labcorp Genetics (formerly Invitae), Labcorp
Classification: Uncertain significance. Last evaluated: 2021-06-06. Review status: criteria provided, single submitter. Criteria: Invitae Variant Classification Sherloc (09022015). Collection method: clinical testing. Allele origin: germline.
Comment: This sequence change falls in intron 6 of the RLBP1 gene. It does not directly change the encoded amino acid sequence of the RLBP1 protein. It affects a nucleotide within the consensus splice site of the intron. This variant is present in population databases (rs368410691, ExAC 0.003%). This variant has not been reported in the literature in individuals with RLBP1-related conditions. Nucleotide substitutions within the consensus splice site are a relatively common cause of aberrant splicing (PMID: 17576681, 9536098). Algorithms developed to predict the effect of sequence changes on RNA splicing suggest that this variant is not likely to affect RNA splicing, but this prediction has not been confirmed by published transcriptional studies. In summary, the available evidence is currently insufficient to determine the role of this variant in disease. Therefore, it has been classified as a Variant of Uncertain Significance.

PreventionGenetics, part of Exact Sciences
Classification: Likely benign for RLBP1-related condition. Last evaluated: 2024-09-27. Review status: no assertion criteria provided. Collection method: clinical testing. Allele origin: germline. Not counted in ClinVar's aggregate classification.
Comment: This variant is classified as likely benign based on ACMG/AMP sequence variant interpretation guidelines (Richards et al. 2015 PMID: 25741868, with internal and published modifications).

Literature cited by the submitters: PubMed 17576681 (cited by Labcorp Genetics (formerly Invitae), Labcorp); PubMed 9536098 (cited by Labcorp Genetics (formerly Invitae), Labcorp).

NM_000326.5(RLBP1):c.525+4A>G

Gene: RLBP1 (retinaldehyde binding protein 1; minus strand). Cytogenetic location: 15q26.1.
Variant type: single nucleotide variant.
Coding change: c.525+4A>G on transcript NM_000326.5 (MANE Select); 4 bases into the intron after coding-DNA position 525, A replaced by G.
Molecular consequence: intron variant.
Genome position (GRCh38, 1-based): chr15:89,215,056, T>C on the plus strand (A>G on the coding strand, the complement: RLBP1 is on the minus strand). VCF-style: chr15-89215056-T-C. GRCh37 (hg19) VCF-style: chr15-89758287-T-C.
Other names: c.525+4A>G (NM_000326.4).
Identifiers: ClinVar variation 1505897 (VCV001505897.4), dbSNP rs368410691, ClinGen allele CA7722263.